The following is an entry in ClinVar:

NM_015629.4(PRPF31):c.217A>G (p.Lys73Glu)

Gene: PRPF31 (pre-mRNA processing factor 31; plus strand). Cytogenetic location: 19q13.42.
Variant type: single nucleotide variant.
Coding change: c.217A>G on transcript NM_015629.4 (MANE Select); coding-DNA position 217, A replaced by G.
Protein change: p.Lys73Glu; replaces lysine 73 with glutamic acid.
Molecular consequence: missense variant.
Genome position (GRCh38, 1-based): chr19:54,118,612, A>G. VCF-style: chr19-54118612-A-G. GRCh37 (hg19) VCF-style: chr19-54621992-A-G.
Other names: short protein forms K73E.
Identifiers: ClinVar variation 3684929 (VCV003684929.2).

ClinVar aggregate classification (germline): Uncertain significance (1 of 4 stars; one submission).

gnomAD v4.1: 2 of 1,614,100 alleles (0.00012%); highest among the groups gnomAD compares: East Asian, 0.0045%; no homozygotes.

Submission:

Labcorp Genetics (formerly Invitae), Labcorp
Classification: Uncertain significance. Last evaluated: 2024-05-14. Review status: criteria provided, single submitter. Criteria: Invitae Variant Classification Sherloc (09022015). Collection method: clinical testing. Allele origin: germline.
Comment: This sequence change replaces lysine, which is basic and polar, with glutamic acid, which is acidic and polar, at codon 73 of the PRPF31 protein (p.Lys73Glu). This variant is not present in population databases (gnomAD no frequency). This variant has not been reported in the literature in individuals affected with PRPF31-related conditions. An algorithm developed to predict the effect of missense changes on protein structure and function (PolyPhen-2) suggests that this variant is likely to be tolerated. In summary, the available evidence is currently insufficient to determine the role of this variant in disease. Therefore, it has been classified as a Variant of Uncertain Significance.